The following is an entry in ClinVar:

NM_005629.4(SLC6A8):c.1496-1_1510del

Gene: SLC6A8 (solute carrier family 6 member 8; plus strand). Cytogenetic location: Xq28.
Variant type: Deletion.
Coding change: c.1496-1_1510del on transcript NM_005629.4 (MANE Select); the canonical splice acceptor site of the intron before coding-DNA position 1496 through coding-DNA position 1510, 16 bases deleted (GGAGCTGACCGCTTCA).
Molecular consequence: splice acceptor variant.
Genome position (GRCh38, 1-based): chrX:153,694,532-153,694,547, GGAGCTGACCGCTTCA deleted; deleting any 16 consecutive bases within chrX:153,694,530-153,694,547 gives the same sequence; the c. name uses the placement nearest the transcript's 3' end. VCF-style (leftmost placement, unchanged base first): chrX-153694529-GCAGGAGCTGACCGCTT-G. GRCh37 (hg19) VCF-style: chrX-152959984-GCAGGAGCTGACCGCTT-G.
Other names: c.1466-1_1480del (NM_001142805.2); c.1151-1_1165del (NM_001142806.1).
Identifiers: ClinVar variation 1395238 (VCV001395238.6), dbSNP rs2148364395, ClinGen allele CA2573159335.

ClinVar aggregate classification (germline): Pathogenic (1 of 4 stars; one submission).

Conditions:
Creatine transporter deficiency (CCDS1). Also called: Mental retardation , X-linked with seizures, short stature and midface hypoplasia; Mental retardation , X-linked, with creatine transport deficiency; X-linked creatine transporter deficiency; X-linked creatine deficiency syndrome; SLC6A8-Related Creatine Transporter Deficiency; Creatine Transporter (CRTR) Deficiency. Identifiers: Orphanet 52503, MedGen C1845862, MONDO:0010305, OMIM 300352.

Submission:

Labcorp Genetics (formerly Invitae), Labcorp
Classification: Pathogenic for Creatine transporter deficiency. Last evaluated: 2021-02-17. Review status: criteria provided, single submitter. Criteria: Invitae Variant Classification Sherloc (09022015). Collection method: clinical testing. Allele origin: germline.
Comment: This variant is not present in population databases (ExAC no frequency). This variant results in the deletion of part of exon 11 (c.1496-1_1510del) of the SLC6A8 gene. It is expected to disrupt RNA splicing. Variants that disrupt the donor or acceptor splice site typically lead to a loss of protein function (PMID: 16199547), and loss-of-function variants in SLC6A8 are known to be pathogenic (PMID: 22281021). This variant has not been reported in the literature in individuals with SLC6A8-related conditions. Algorithms developed to predict the effect of sequence changes on RNA splicing suggest that this variant may disrupt the consensus splice site, but this prediction has not been confirmed by published transcriptional studies. This variant disrupts the p.Gly499 amino acid residue in SLC6A8. Other variant(s) that disrupt this residue have been determined to be pathogenic (PMID: 22644605). This suggests that this residue is clinically significant, and that variants that disrupt this residue are likely to be disease-causing. For these reasons, this variant has been classified as Pathogenic.

Literature cited by the submitters: PubMed 16199547; PubMed 22281021; PubMed 22644605.